The following is an entry in ClinVar:

NM_014856.3(DENND4B):c.30G>A (p.Val10=)

Gene: DENND4B (DENN domain containing 4B; minus strand). Cytogenetic location: 1q21.3.
Variant type: single nucleotide variant.
Coding change: c.30G>A on transcript NM_014856.3 (MANE Select); coding-DNA position 30, G replaced by A.
Protein change: p.Val10=; no amino-acid change (valine 10 retained).
Molecular consequence: synonymous variant.
Genome position (GRCh38, 1-based): chr1:153,944,345, C>T on the plus strand (G>A on the coding strand, the complement: DENND4B is on the minus strand). VCF-style: chr1-153944345-C-T. GRCh37 (hg19) VCF-style: chr1-153916821-C-T.
Other names: c.30G>A (NM_014856.2); c.63G>A, p.Val21= (NM_001367466.1).
Identifiers: ClinVar variation 2639364 (VCV002639364.25), dbSNP rs372779027, ClinGen allele CA1122047.

ClinVar aggregate classification (germline): Likely benign. Review status: criteria provided, single submitter (1 of 4 stars). 2 submissions from 2 submitters: Likely benign (1). 1 of the submissions does not count toward it. Last evaluated 2023-03-01.

Conditions:
DENND4B-related disorder. Also called: DENND4B-related condition.

Allele frequency attached by ClinVar (database versions not stated): ExAC 0.00241; TOPMed 0.00130; gnomAD 0.00143; gnomAD exomes 0.00216; ESP Exome Variant Server 0.00074; 1000 Genomes Project 30x 0.00094; 1000 Genomes Project 0.00100.
gnomAD v4.1: 3,326 of 1,608,674 alleles (0.21%); highest among the groups gnomAD compares: South Asian, 0.61%; 11 homozygotes.

Submissions (2):

CeGaT Center for Human Genetics Tuebingen
Classification: Likely benign. Last evaluated: 2023-03-01. Review status: criteria provided, single submitter. Criteria: CeGaT Center For Human Genetics Tuebingen Variant Classification Criteria Version 2. Collection method: clinical testing. Allele origin: germline. Affected: yes. Observed: 2 variant alleles.
Comment: DENND4B: BP4, BS2

PreventionGenetics, part of Exact Sciences
Classification: Likely benign for DENND4B-related condition. Last evaluated: 2023-12-04. Review status: no assertion criteria provided. Collection method: clinical testing. Allele origin: germline. Not counted in ClinVar's aggregate classification.
Comment: This variant is classified as likely benign based on ACMG/AMP sequence variant interpretation guidelines (Richards et al. 2015 PMID: 25741868, with internal and published modifications).